The following is an entry in ClinVar:

NM_020791.4(TAOK1):c.1864A>G (p.Met622Val)

Gene: TAOK1 (TAO kinase 1; plus strand). Cytogenetic location: 17q11.2.
Variant type: single nucleotide variant.
Coding change: c.1864A>G on transcript NM_020791.4 (MANE Select); coding-DNA position 1864, A replaced by G.
Protein change: p.Met622Val; replaces methionine 622 with valine.
Molecular consequence: missense variant. On other transcripts: intron variant (1).
Genome position (GRCh38, 1-based): chr17:29,517,612, A>G. VCF-style: chr17-29517612-A-G. GRCh37 (hg19) VCF-style: chr17-27844630-A-G.
Other names: c.1704+6620A>G (NM_025142.1); short protein forms M622V.
Identifiers: ClinVar variation 4883391 (VCV004883391.2).

ClinVar aggregate classification (germline): Uncertain significance (1 of 4 stars; one submission).

Conditions:
Syndromic intellectual disability. Also called: Intellectual disability syndrome. Identifiers: Orphanet 183763, MedGen C5680525, MONDO:0000508.

gnomAD v4.1: 1 of 1,613,274 alleles (0.000062%); highest among the groups gnomAD compares: Non-Finnish European, 0.000085%; no homozygotes.

Submission:

Dasa
Classification: Uncertain significance for Syndromic intellectual disability. Last evaluated: 2026-03-27. Review status: criteria provided, single submitter. Criteria: DASA Assertion Criteria. Collection method: clinical testing. Allele origin: germline.
Comment: NM_020791.4(TAOK1):c.1864A>G (p.Met622Val) is a missense variant that results in the substitution of methionine with valine. This variant is rare in population databases. Computational prediction algorithms are consistent with a benign effect. The currently available literature and clinical evidence are not sufficient to establish a definitive association between this variant and the reported condition. Therefore, this variant is classified as a variant of uncertain significance.